The following is an entry in ClinVar:

NM_006231.4(POLE):c.550A>G (p.Ser184Gly)

Gene: POLE (DNA polymerase epsilon, catalytic subunit; minus strand). Cytogenetic location: 12q24.33.
Variant type: single nucleotide variant.
Coding change: c.550A>G on transcript NM_006231.4 (MANE Select); coding-DNA position 550, A replaced by G.
Protein change: p.Ser184Gly; replaces serine 184 with glycine.
Molecular consequence: missense variant.
Genome position (GRCh38, 1-based): chr12:132,679,525, T>C on the plus strand (A>G on the coding strand, the complement: POLE is on the minus strand). VCF-style: chr12-132679525-T-C. GRCh37 (hg19) VCF-style: chr12-133256111-T-C.
Other names: short protein forms S184G.
Identifiers: ClinVar variation 1051200 (VCV001051200.9), dbSNP rs1060500790, ClinGen allele CA387366804.
Genomic context (GRCh38, chr12:132,679,525, plus strand): 5'-GCTGATGCTTTGCTCACAAGACCAAAGTTTACCTGGAAAGCAGAGCTGTGTACGCGTCGC[T>C]GGCGTGATCCTGCTCCCTGTTCTTCTTCACGGCAGGGGAGATCTCCTTCCTCACTTTGAC-3'
Protein context (NP_006222.2, residues 174-194): VKKNREQDHA[Ser184Gly]DAYTALLSSV

ClinVar aggregate classification (germline): Uncertain significance (1 of 4 stars; one submission).

Submission:

Labcorp Genetics (formerly Invitae), Labcorp
Classification: Uncertain significance. Last evaluated: 2021-08-05. Review status: criteria provided, single submitter. Criteria: Invitae Variant Classification Sherloc (09022015). Collection method: clinical testing. Allele origin: germline.
Comment: This sequence change replaces serine with glycine at codon 184 of the POLE protein (p.Ser184Gly). The serine residue is weakly conserved and there is a small physicochemical difference between serine and glycine. This variant is not present in population databases (ExAC no frequency). This variant has not been reported in the literature in individuals with POLE-related conditions. Algorithms developed to predict the effect of missense changes on protein structure and function output the following: SIFT: "Tolerated"; PolyPhen-2: "Benign"; Align-GVGD: "Class C0". The glycine amino acid residue is found in multiple mammalian species, suggesting that this missense change does not adversely affect protein function. These predictions have not been confirmed by published functional studies and their clinical significance is uncertain. In summary, the available evidence is currently insufficient to determine the role of this variant in disease. Therefore, it has been classified as a Variant of Uncertain Significance.